The following is an entry in ClinVar:

NM_003073.5(SMARCB1):c.634T>G (p.Leu212Val)

Gene: SMARCB1 (SWI/SNF related BAF chromatin remodeling complex subunit B1; plus strand). Cytogenetic location: 22q11.23.
Variant type: single nucleotide variant.
Coding change: c.634T>G on transcript NM_003073.5 (MANE Select); coding-DNA position 634, T replaced by G.
Protein change: p.Leu212Val; replaces leucine 212 with valine.
Molecular consequence: missense variant.
Genome position (GRCh38, 1-based): chr22:23,816,775, T>G. VCF-style: chr22-23816775-T-G. GRCh37 (hg19) VCF-style: chr22-24158962-T-G.
Other names: c.607T>G, p.Leu203Val (NM_001007468.3); c.661T>G, p.Leu221Val (NM_001317946.2); c.688T>G, p.Leu230Val (NM_001362877.2); short protein forms L203V, L212V, L221V, L230V.
Identifiers: ClinVar variation 1716717 (VCV001716717.6), dbSNP rs1601422533, ClinGen allele CA410901079.
Genomic context (GRCh38, chr22:23,816,775, plus strand): 5'-TCCATGCCCAAGCATGGTGCAATCTCTTGGCATCCCTTCCCTCTCCTGATTTCAGAGAAG[T>G]TGATGACGCCTGAGATGTTTTCAGAAATCCTCTGTGACGATCTGGATTTGAACCCGCTGA-3'
Protein context (NP_003064.2, residues 202-222): DAFTWNMNEK[Leu212Val]MTPEMFSEIL

ClinVar aggregate classification (germline): Uncertain significance. Review status: criteria provided, multiple submitters, no conflicts (2 of 4 stars). 2 submissions from 2 submitters: Uncertain significance (2). Last evaluated 2025-01-13.

Conditions:
Hereditary cancer-predisposing syndrome. Also called: Hereditary neoplastic syndrome; Neoplastic Syndromes, Hereditary; Hereditary Cancer Syndrome; Tumor predisposition. Identifiers: Orphanet 140162, MedGen C0027672, MeSH D009386, MONDO:0015356.

Submissions (2):

Ambry Genetics
Classification: Uncertain significance for Hereditary cancer-predisposing syndrome. Last evaluated: 2025-01-13. Review status: criteria provided, single submitter. Criteria: Ambry Variant Classification Scheme 2023. Collection method: clinical testing. Allele origin: germline.
Comment: The p.L212V variant (also known as c.634T>G), located in coding exon 6 of the SMARCB1 gene, results from a T to G substitution at nucleotide position 634. The leucine at codon 212 is replaced by valine, an amino acid with highly similar properties. This amino acid position is conserved. In addition, the in silico prediction for this alteration is inconclusive. Based on the available evidence, the clinical significance of this variant remains unclear.

Labcorp Genetics (formerly Invitae), Labcorp
Classification: Uncertain significance. Last evaluated: 2022-08-19. Review status: criteria provided, single submitter. Criteria: Invitae Variant Classification Sherloc (09022015). Collection method: clinical testing. Allele origin: germline.
Comment: In summary, the available evidence is currently insufficient to determine the role of this variant in disease. Therefore, it has been classified as a Variant of Uncertain Significance. Algorithms developed to predict the effect of missense changes on protein structure and function are either unavailable or do not agree on the potential impact of this missense change (SIFT: "Deleterious"; PolyPhen-2: "Benign"; Align-GVGD: "Class C0"). This variant has not been reported in the literature in individuals affected with SMARCB1-related conditions. This variant is not present in population databases (gnomAD no frequency). This sequence change replaces leucine, which is neutral and non-polar, with valine, which is neutral and non-polar, at codon 212 of the SMARCB1 protein (p.Leu212Val).